The following is an entry in ClinVar:

ClinVar aggregate classification (germline): Uncertain significance (1 of 4 stars; one submission).

Conditions:
Malignant hyperthermia, susceptibility to, 1 (MHS1). Also called: RYR1-Related Malignant Hyperthermia Susceptibility; Malignant hyperthermia suceptibility 1; Anesthesia related hyperthermia; Malignant hyperpyrexia; Fulminating hyperpyrexia; Pharmacogenic myopathy. Identifiers: Orphanet 423, MedGen C2930980, MONDO:0007783, OMIM 145600.

Submission:

Color Diagnostics, LLC DBA Color Health
Classification: Uncertain significance for Malignant hyperthermia, susceptibility to, 1. Last evaluated: 2025-06-09. Review status: criteria provided, single submitter. Criteria: ACMG Guidelines, 2015. Collection method: clinical testing. Allele origin: germline.
Comment: This missense variant replaces valine with methionine at codon 1845 of the RYR1 protein. To our knowledge, functional studies have not been reported for this variant. This variant has not been reported in individuals affected with RYR1-related disorders in the literature. This variant has not been identified in the general population by the Genome Aggregation Database (gnomAD). The available evidence is insufficient to determine the role of this variant in disease conclusively. Therefore, this variant is classified as a Variant of Uncertain Significance.

NM_000540.3(RYR1):c.5532_5533delinsTA (p.Val1845Met)

Gene: RYR1 (ryanodine receptor 1; plus strand). Cytogenetic location: 19q13.2.
Variant type: Indel.
Coding change: c.5532_5533delinsTA on transcript NM_000540.3 (MANE Select); coding-DNA positions 5532 to 5533, CG replaced by TA.
Protein change: p.Val1845Met; replaces valine 1845 with methionine.
Molecular consequence: missense variant.
Genome position (GRCh38, 1-based): chr19:38,486,187-38,486,188, CG replaced by TA. VCF-style: chr19-38486187-CG-TA. GRCh37 (hg19) VCF-style: chr19-38976827-CG-TA.
Other names: c.5532_5533delinsTA, p.Val1845Met (NM_001042723.2); short protein forms V1845M.
Identifiers: ClinVar variation 4757313 (VCV004757313.1).